The following is an entry in ClinVar:

ClinVar aggregate classification (germline): Uncertain significance. Review status: criteria provided, multiple submitters, no conflicts (2 of 4 stars). 2 submissions from 2 submitters: Uncertain significance (2). Last evaluated 2026-06-25.

Conditions:
Cardiovascular phenotype. Identifiers: MedGen CN230736.
Hypertrophic cardiomyopathy 14. Identifiers: MedGen C2750467, MONDO:0013197, OMIM 613251.

Allele frequency attached by ClinVar (database versions not stated): gnomAD 0.00004; TOPMed 0.00003.

Submissions (2):

Ambry Genetics
Classification: Uncertain significance for Cardiovascular phenotype. Last evaluated: 2026-06-25. Review status: criteria provided, single submitter. Criteria: Ambry Variant Classification Scheme 2023. Collection method: clinical testing. Allele origin: germline.
Comment: The c.3861dupA variant, located in coding exon 26 of the MYH6 gene, results from a duplication of A at nucleotide position 3861, causing a translational frameshift with a predicted alternate stop codon (p.E1288Rfs*54). This variant was reported in individual(s) with features consistent with congenital heart disease (Lesurf R et al. Genome Med, 2024 Oct;16:119). In silico splice site analysis predicts that this alteration will result in the creation or strengthening of a novel splice acceptor site. This variant is expected to result in protein truncation or nonsense-mediated mRNA decay. However, loss of function has not been established as a mechanism of disease. Based on the available evidence, the clinical significance of this variant remains unclear.

Labcorp Genetics (formerly Invitae), Labcorp
Classification: Uncertain significance for Hypertrophic cardiomyopathy 14. Last evaluated: 2022-10-26. Review status: criteria provided, single submitter. Criteria: Invitae Variant Classification Sherloc (09022015). Collection method: clinical testing. Allele origin: germline.
Comment: In summary, the available evidence is currently insufficient to determine the role of this variant in disease. Therefore, it has been classified as a Variant of Uncertain Significance. Algorithms developed to predict the effect of sequence changes on RNA splicing suggest that this variant may create or strengthen a splice site. This variant has not been reported in the literature in individuals affected with MYH6-related conditions. This variant is present in population databases (no rsID available, gnomAD 0.01%). This sequence change creates a premature translational stop signal (p.Glu1288Argfs*54) in the MYH6 gene. It is expected to result in an absent or disrupted protein product. However, the current clinical and genetic evidence is not sufficient to establish whether loss-of-function variants in MYH6 cause disease.

Literature cited by the submitters: PubMed 39402625 (cited by Ambry Genetics).

NM_002471.4(MYH6):c.3861dup (p.Glu1288fs)

Gene: MYH6 (myosin heavy chain 6; minus strand). Cytogenetic location: 14q11.2.
Variant type: Duplication.
Coding change: c.3861dup on transcript NM_002471.4 (MANE Select); coding-DNA position 3861, one base duplicated (A; older notation c.3861dupA).
Protein change: p.Glu1288fs; shifts the reading frame from glutamic acid 1288.
Molecular consequence: frameshift variant.
Genome position (GRCh38, 1-based): chr14:23,389,510, T duplicated on the plus strand (A on the coding strand, the reverse complement: MYH6 is on the minus strand). VCF-style (leftmost placement, unchanged base first): chr14-23389509-C-CT. GRCh37 (hg19) VCF-style: chr14-23858718-C-CT.
Other names: c.3861dupA (NM_002471.3); short protein forms E1288fs.
Identifiers: ClinVar variation 2716500 (VCV002716500.4), dbSNP rs956411187, ClinGen allele CA257783239.